The following is an entry in ClinVar:

ClinVar aggregate classification (germline): Uncertain significance (1 of 4 stars; one submission).

gnomAD v4.1: 10 of 1,589,814 alleles (0.00063%); highest among the groups gnomAD compares: Admixed American, 0.017%; no homozygotes.

Submission:

GeneDx
Classification: Uncertain significance. Last evaluated: 2025-04-09. Review status: criteria provided, single submitter. Criteria: GeneDx Variant Classification Process June 2021. Collection method: clinical testing. Allele origin: germline. Affected: yes.
Comment: In silico analysis supports that this missense variant has a deleterious effect on protein structure/function; Has not been previously published as pathogenic or benign to our knowledge

NM_058004.4(PI4KA):c.281A>T (p.Asp94Val)

Gene: PI4KA (phosphatidylinositol 4-kinase alpha; minus strand). Cytogenetic location: 22q11.21.
Variant type: single nucleotide variant.
Coding change: c.281A>T on transcript NM_058004.4 (MANE Select); coding-DNA position 281, A replaced by T.
Protein change: p.Asp94Val; replaces aspartic acid 94 with valine.
Molecular consequence: missense variant.
Genome position (GRCh38, 1-based): chr22:20,834,648, T>A on the plus strand (A>T on the coding strand, the complement: PI4KA is on the minus strand). VCF-style: chr22-20834648-T-A. GRCh37 (hg19) VCF-style: chr22-21188936-T-A.
Other names: c.281A>T, p.Asp94Val (NM_001362862.2, NM_001362863.2); short protein forms D94V.
Identifiers: ClinVar variation 4281780 (VCV004281780.1).
Genomic context (GRCh38, chr22:20,834,648, plus strand): 5'-TCTACCCAATACACTTTTGGAAGACCTTTGAGAAGTCGAAGAAGGTAAGGAACCACACAA[T>A]CTTTGTGCTAAAAAATAATAAGAAGAATAATAAATTAGATTTAATAAAATAAGTGATTGG-3'
Protein context (NP_477352.3, residues 84-104): FLIESDLQHK[Asp94Val]CVVPYLLRLL